The following is an entry in ClinVar:

NM_004304.5(ALK):c.770C>T (p.Ser257Phe)

Gene: ALK (ALK receptor tyrosine kinase; minus strand). Cytogenetic location: 2p23.2.
Variant type: single nucleotide variant.
Coding change: c.770C>T on transcript NM_004304.5 (MANE Select); coding-DNA position 770, C replaced by T.
Protein change: p.Ser257Phe; replaces serine 257 with phenylalanine.
Molecular consequence: missense variant.
Genome position (GRCh38, 1-based): chr2:29,717,595, G>A on the plus strand (C>T on the coding strand, the complement: ALK is on the minus strand). VCF-style: chr2-29717595-G-A. GRCh37 (hg19) VCF-style: chr2-29940461-G-A.
Other names: short protein forms S257F.
Identifiers: ClinVar variation 933764 (VCV000933764.12), dbSNP rs1679299604, ClinGen allele CA346587638.
Genomic context (GRCh38, chr2:29,717,595, plus strand): 5'-ATAGTGACAGTGTATCTCAAGTAAATATTAAACATATACTTACCATATCGGCTGCGATGA[G>A]ACAGGAAAGGGAAGGAGTCTTTCATTATCCAGGTGAGATTCCATGTAAAATAATCAGGAG-3'
Protein context (NP_004295.2, residues 247-267): WIMKDSFPFL[Ser257Phe]HRSRYGLECS

ClinVar aggregate classification (germline): Uncertain significance. Review status: criteria provided, multiple submitters, no conflicts (2 of 4 stars). 2 submissions from 2 submitters: Uncertain significance (2). Last evaluated 2022-08-22.

Conditions:
Neuroblastoma, susceptibility to, 3. Also called: ALK-Related Neuroblastic Tumor Susceptibility. Identifiers: Orphanet 635, MedGen C2751681, MONDO:0013083, OMIM 613014.
Hereditary cancer-predisposing syndrome. Also called: Tumor predisposition; Hereditary neoplastic syndrome; Neoplastic Syndromes, Hereditary; Hereditary Cancer Syndrome. Identifiers: Orphanet 140162, MedGen C0027672, MeSH D009386, MONDO:0015356.

Allele frequency attached by ClinVar (database versions not stated): gnomAD exomes below 0.00001.
gnomAD v4.1: 1 of 1,614,030 alleles (0.000062%); highest among the groups gnomAD compares: Non-Finnish European, 0.000085%; no homozygotes.

Submissions (2):

Ambry Genetics
Classification: Uncertain significance for Hereditary cancer-predisposing syndrome. Last evaluated: 2022-08-22. Review status: criteria provided, single submitter. Criteria: Ambry Variant Classification Scheme 2023. Collection method: clinical testing. Allele origin: germline.
Comment: The p.S257F variant (also known as c.770C>T), located in coding exon 2 of the ALK gene, results from a C to T substitution at nucleotide position 770. The serine at codon 257 is replaced by phenylalanine, an amino acid with highly dissimilar properties. This amino acid position is conserved. In addition, the in silico prediction for this alteration is inconclusive. Since supporting evidence is limited at this time, the clinical significance of this alteration remains unclear.

Labcorp Genetics (formerly Invitae), Labcorp
Classification: Uncertain significance for Neuroblastoma, susceptibility to, 3. Last evaluated: 2019-09-16. Review status: criteria provided, single submitter. Criteria: Invitae Variant Classification Sherloc (09022015). Collection method: clinical testing. Allele origin: germline.
Comment: In summary, the available evidence is currently insufficient to determine the role of this variant in disease. Therefore, it has been classified as a Variant of Uncertain Significance. Algorithms developed to predict the effect of missense changes on protein structure and function are either unavailable or do not agree on the potential impact of this missense change (SIFT: "Deleterious"; PolyPhen-2: "Benign"; Align-GVGD: "Class C0"). This variant has not been reported in the literature in individuals with ALK-related conditions. This variant is not present in population databases (ExAC no frequency). This sequence change replaces serine with phenylalanine at codon 257 of the ALK protein (p.Ser257Phe). The serine residue is moderately conserved and there is a large physicochemical difference between serine and phenylalanine.